The following is an entry in ClinVar:

ClinVar aggregate classification (germline): Uncertain significance (1 of 4 stars; one submission).

Conditions:
HNRNPK-related disorder. Also called: HNRNPK-related condition.

Submission:

PreventionGenetics, part of Exact Sciences
Classification: Uncertain significance for HNRNPK-related condition. Last evaluated: 2024-12-27. Review status: criteria provided, single submitter. Criteria: ACMG Guidelines, 2015. Collection method: clinical testing. Allele origin: germline.
Comment: The HNRNPK c.901G>A variant is predicted to result in the amino acid substitution p.Gly301Ser. To our knowledge, this variant has not been reported in the literature or in a large population database (gnomAD), indicating this variant is rare. At this time, the clinical significance of this variant is uncertain due to the absence of conclusive functional and genetic evidence.

NM_031263.4(HNRNPK):c.901G>A (p.Gly301Ser)

Gene: HNRNPK (heterogeneous nuclear ribonucleoprotein K; minus strand). Cytogenetic location: 9q21.32.
Variant type: single nucleotide variant.
Coding change: c.901G>A on transcript NM_031263.4 (MANE Select); coding-DNA position 901, G replaced by A.
Protein change: p.Gly301Ser; replaces glycine 301 with serine.
Molecular consequence: missense variant.
Genome position (GRCh38, 1-based): chr9:83,971,934, C>T on the plus strand (G>A on the coding strand, the complement: HNRNPK is on the minus strand). VCF-style: chr9-83971934-C-T. GRCh37 (hg19) VCF-style: chr9-86586849-C-T.
Other names: c.829G>A, p.Gly277Ser (NM_001318186.2, NM_001318187.2); c.901G>A, p.Gly301Ser (NM_001318188.2, NM_002140.5, NM_031262.4); short protein forms G277S, G301S.
Identifiers: ClinVar variation 4997731 (VCV004997731.1).